The following is an entry in ClinVar:

ClinVar aggregate classification (germline): Likely benign (1 of 4 stars; one submission).

Submission:

CeGaT Center for Human Genetics Tuebingen
Classification: Likely benign. Last evaluated: 2023-02-01. Review status: criteria provided, single submitter. Criteria: CeGaT Center For Human Genetics Tuebingen Variant Classification Criteria Version 2. Collection method: clinical testing. Allele origin: germline. Affected: yes. Observed: 1 variant allele.
Comment: WDR4: PM2:Supporting, BP4, BP7

NM_018669.6(WDR4):c.1071C>T (p.Phe357=)

Gene: WDR4 (WDR4 tRNA N7-guanosine methyltransferase non-catalytic subunit; minus strand). Cytogenetic location: 21q22.3.
Variant type: single nucleotide variant.
Coding change: c.1071C>T on transcript NM_018669.6 (MANE Select); coding-DNA position 1071, C replaced by T.
Protein change: p.Phe357=; no amino-acid change (phenylalanine 357 retained).
Molecular consequence: synonymous variant. On other transcripts: non-coding transcript variant (1).
Genome position (GRCh38, 1-based): chr21:42,850,217, G>A on the plus strand (C>T on the coding strand, the complement: WDR4 is on the minus strand). VCF-style: chr21-42850217-G-A. GRCh37 (hg19) VCF-style: chr21-44270327-G-A.
Other names: c.1068C>T, p.Phe356= (NM_001260474.2); c.633C>T, p.Phe211= (NM_001260475.2, NM_001260476.2, NM_001260477.2 and 1 more transcripts); c.1071C>T, p.Phe357= (NM_033661.5).
Identifiers: ClinVar variation 2652715 (VCV002652715.24), dbSNP rs137984597, ClinGen allele CA512456427.